The following is an entry in ClinVar:

NM_006017.3(PROM1):c.571C>T (p.Arg191Trp)

Gene: PROM1 (prominin 1; minus strand). Cytogenetic location: 4p15.32.
Variant type: single nucleotide variant.
Coding change: c.571C>T on transcript NM_006017.3 (MANE Select); coding-DNA position 571, C replaced by T.
Protein change: p.Arg191Trp; replaces arginine 191 with tryptophan.
Molecular consequence: missense variant. On other transcripts: non-coding transcript variant (2), intron variant (1).
Genome position (GRCh38, 1-based): chr4:16,025,251, G>A on the plus strand (C>T on the coding strand, the complement: PROM1 is on the minus strand). VCF-style: chr4-16025251-G-A. GRCh37 (hg19) VCF-style: chr4-16026874-G-A.
Other names: c.544C>T, p.Arg182Trp (NM_001145847.2, NM_001145848.2, NM_001145851.2 and 9 more transcripts); c.571C>T, p.Arg191Trp (NM_001145849.2, NM_001145850.2); c.205C>T, p.Arg69Trp (NM_001441179.1); c.519+25C>T (NM_001441174.1); c.571C>T (NM_006017.2); short protein forms R182W, R191W, R69W.
Identifiers: ClinVar variation 4966720 (VCV004966720.2).

ClinVar aggregate classification (germline): Uncertain significance. Review status: criteria provided, multiple submitters, no conflicts (2 of 4 stars). 2 submissions from 2 submitters: Uncertain significance (2). Last evaluated 2025-09-02.

Conditions:
PROM1-related disorder. Also called: PROM1-related condition; PROM1-related disorders.

gnomAD v4.1: 24 of 1,613,794 alleles (0.0015%); highest among the groups gnomAD compares: Non-Finnish European, 0.0016%; no homozygotes.

Submissions (2):

PreventionGenetics, part of Exact Sciences
Classification: Uncertain significance for PROM1-related condition. Last evaluated: 2025-09-02. Review status: criteria provided, single submitter. Criteria: ACMG Guidelines, 2015. Collection method: clinical testing. Allele origin: germline.
Comment: The PROM1 c.571C>T variant is predicted to result in the amino acid substitution p.Arg191Trp. To our knowledge, this variant has not been reported in the literature. This variant is reported in 0.0099% of alleles in individuals of Ashkenazi Jewish descent in gnomAD. At this time, the clinical significance of this variant is uncertain due to the absence of conclusive functional and genetic evidence.

Blueprint Genetics
Classification: Uncertain significance. Last evaluated: 2022-01-27. Review status: criteria provided, single submitter. Criteria: ACMG Guidelines, 2015. Collection method: clinical testing. Allele origin: germline.